The following is an entry in ClinVar:

NM_001363711.2(DUOX2):c.1040+5G>A

Gene: DUOX2 (dual oxidase 2; minus strand). Cytogenetic location: 15q21.1.
Variant type: single nucleotide variant.
Coding change: c.1040+5G>A on transcript NM_001363711.2 (MANE Select); 5 bases into the intron after coding-DNA position 1040, G replaced by A.
Molecular consequence: intron variant.
Genome position (GRCh38, 1-based): chr15:45,110,423, C>T on the plus strand (G>A on the coding strand, the complement: DUOX2 is on the minus strand). VCF-style: chr15-45110423-C-T. GRCh37 (hg19) VCF-style: chr15-45402621-C-T.
Other names: c.1040+5G>A (NM_014080.5).
Identifiers: ClinVar variation 2109102 (VCV002109102.4), dbSNP rs1894348333, ClinGen allele CA969325955.

ClinVar aggregate classification (germline): Uncertain significance (1 of 4 stars; one submission).

Allele frequency attached by ClinVar (database versions not stated): gnomAD 0.00001.
gnomAD v4.1: 2 of 1,612,774 alleles (0.00012%); highest among the groups gnomAD compares: African/African-American, 0.0027%; no homozygotes.

Submission:

Labcorp Genetics (formerly Invitae), Labcorp
Classification: Uncertain significance. Last evaluated: 2022-07-08. Review status: criteria provided, single submitter. Criteria: Invitae Variant Classification Sherloc (09022015). Collection method: clinical testing. Allele origin: germline.
Comment: Variants that disrupt the consensus splice site are a relatively common cause of aberrant splicing (PMID: 17576681, 9536098). Algorithms developed to predict the effect of sequence changes on RNA splicing suggest that this variant may create or strengthen a splice site. In summary, the available evidence is currently insufficient to determine the role of this variant in disease. Therefore, it has been classified as a Variant of Uncertain Significance. This variant has not been reported in the literature in individuals affected with DUOX2-related conditions. This variant is not present in population databases (gnomAD no frequency). This sequence change falls in intron 9 of the DUOX2 gene. It does not directly change the encoded amino acid sequence of the DUOX2 protein. It affects a nucleotide within the consensus splice site.

Literature cited by the submitters: PubMed 17576681; PubMed 9536098.